The following is an entry in ClinVar:

ClinVar aggregate classification (germline): Pathogenic/Likely pathogenic. Review status: criteria provided, multiple submitters, no conflicts (2 of 4 stars). 3 submissions from 3 submitters: Pathogenic (2); Likely pathogenic (1). Last evaluated 2025-02-02.

Conditions:
Hereditary cancer-predisposing syndrome. Also called: Tumor predisposition; Hereditary neoplastic syndrome; Hereditary Cancer Syndrome; Neoplastic Syndromes, Hereditary. Identifiers: Orphanet 140162, MedGen C0027672, MeSH D009386, MONDO:0015356.
Parathyroid carcinoma (PRTC). Also called: Parathyroid gland carcinoma; CDC73-Related Parathyroid Carcinoma. Identifiers: Orphanet 143, MedGen C0687150, MONDO:0012004, OMIM 608266, HP:0006780.
Hyperparathyroidism 2 with jaw tumors. Also called: Hyperparathyroidism 2; HYPERPARATHYROIDISM, FAMILIAL PRIMARY, WITH MULTIPLE OSSIFYING JAW FIBROMAS; HYPERPARATHYROIDISM-JAW TUMOR SYNDROME, HEREDITARY; Hyperparathyroidism-Jaw Tumor Syndrome. Identifiers: Orphanet 99880, MedGen C1704981, MONDO:0007768, OMIM 145001.

Allele frequency attached by ClinVar (database versions not stated): gnomAD exomes below 0.00001.

Submissions (3):

Labcorp Genetics (formerly Invitae), Labcorp
Classification: Pathogenic for Parathyroid carcinoma. Last evaluated: 2025-02-02. Review status: criteria provided, single submitter. Criteria: Invitae Variant Classification Sherloc (09022015). Collection method: clinical testing. Allele origin: germline.
Comment: This sequence change creates a premature translational stop signal (p.Arg399*) in the CDC73 gene. It is expected to result in an absent or disrupted protein product. Loss-of-function variants in CDC73 are known to be pathogenic (PMID: 12434154). This variant is not present in population databases (gnomAD no frequency). This variant has not been reported in the literature in individuals affected with CDC73-related conditions. ClinVar contains an entry for this variant (Variation ID: 1449272). For these reasons, this variant has been classified as Pathogenic.

Ambry Genetics
Classification: Pathogenic for Hereditary cancer-predisposing syndrome. Last evaluated: 2024-11-21. Review status: criteria provided, single submitter. Criteria: Ambry Variant Classification Scheme 2023. Collection method: clinical testing. Allele origin: germline.
Comment: The p.R399* pathogenic mutation (also known as c.1195C>T), located in coding exon 14 of the CDC73 gene, results from a C to T substitution at nucleotide position 1195. This changes the amino acid from an arginine to a stop codon within coding exon 14. This variant is considered to be rare based on population cohorts in the Genome Aggregation Database (gnomAD). This alteration is expected to result in loss of function by premature protein truncation or nonsense-mediated mRNA decay. As such, this alteration is interpreted as a disease-causing mutation.

MGZ Medical Genetics Center
Classification: Likely pathogenic for Hyperparathyroidism 2 with jaw tumors. Last evaluated: 2021-08-23. Review status: criteria provided, single submitter. Criteria: ACMG Guidelines, 2015. Collection method: clinical testing. Allele origin: germline. Affected: yes. Observed: 1 variant allele.
Comment: ACMG criteria applied: PVS1, PM2_SUP

Literature cited by the submitters: PubMed 12434154 (cited by Labcorp Genetics (formerly Invitae), Labcorp).

NM_024529.5(CDC73):c.1195C>T (p.Arg399Ter)

Gene: CDC73 (cell division cycle 73; plus strand). Cytogenetic location: 1q31.2.
Variant type: single nucleotide variant.
Coding change: c.1195C>T on transcript NM_024529.5 (MANE Select); coding-DNA position 1195, C replaced by T.
Protein change: p.Arg399Ter; replaces arginine 399 with a stop codon.
Molecular consequence: nonsense.
Genome position (GRCh38, 1-based): chr1:193,233,033, C>T. VCF-style: chr1-193233033-C-T. GRCh37 (hg19) VCF-style: chr1-193202163-C-T.
Other names: c.1195C>T (NM_024529.4); short protein forms R399*.
Identifiers: ClinVar variation 1449272 (VCV001449272.8), dbSNP rs1677688362, ClinGen allele CA344077798.